The following is an entry in ClinVar:

NM_032217.5(ANKRD17):c.1104T>G (p.His368Gln)

Gene: ANKRD17 (ankyrin repeat domain 17; minus strand). Cytogenetic location: 4q13.3.
Variant type: single nucleotide variant.
Coding change: c.1104T>G on transcript NM_032217.5 (MANE Select); coding-DNA position 1104, T replaced by G.
Protein change: p.His368Gln; replaces histidine 368 with glutamine.
Molecular consequence: missense variant.
Genome position (GRCh38, 1-based): chr4:73,154,010, A>C on the plus strand (T>G on the coding strand, the complement: ANKRD17 is on the minus strand). VCF-style: chr4-73154010-A-C. GRCh37 (hg19) VCF-style: chr4-74019727-A-C.
Other names: c.765T>G, p.His255Gln (NM_001286771.3); c.1104T>G, p.His368Gln (NM_015574.2, NM_198889.3); short protein forms H255Q, H368Q.
Identifiers: ClinVar variation 2503117 (VCV002503117.1), dbSNP rs1338644985, ClinGen allele CA357227482.

ClinVar aggregate classification (germline): Uncertain significance (1 of 4 stars; one submission).

Submission:

GeneDx
Classification: Uncertain significance. Last evaluated: 2022-11-21. Review status: criteria provided, single submitter. Criteria: GeneDx Variant Classification Process June 2021. Collection method: clinical testing. Allele origin: germline. Affected: yes.
Comment: Not observed at significant frequency in large population cohorts (gnomAD); In silico analysis supports that this missense variant has a deleterious effect on protein structure/function; Has not been previously published as pathogenic or benign to our knowledge